The following is an entry in ClinVar:

ClinVar aggregate classification (germline): Likely pathogenic (1 of 4 stars; one submission).

Conditions:
Hereditary cancer-predisposing syndrome. Also called: Neoplastic Syndromes, Hereditary; Hereditary Cancer Syndrome; Hereditary neoplastic syndrome; Tumor predisposition. Identifiers: Orphanet 140162, MedGen C0027672, MeSH D009386, MONDO:0015356.

Submission:

Ambry Genetics
Classification: Likely pathogenic for Hereditary cancer-predisposing syndrome. Last evaluated: 2023-04-28. Review status: criteria provided, single submitter. Criteria: Ambry Variant Classification Scheme 2023. Collection method: clinical testing. Allele origin: germline.
Comment: The c.66_67delCC variant, located in coding exon 1 of the NTHL1 gene, results from a deletion of two nucleotides at nucleotide positions 66 to 67, causing a translational frameshift with a predicted alternate stop codon (p.L23Gfs*10). The predicted stop codon occurs in the 5&rsquo; end of theNTHL1 gene. Premature termination codons in the 5&rsquo; end of a gene have been reported to escape nonsense-mediated mRNAdecay and/or lead to re-initiation (Rivas et al. Science. 2015 May 8;348(6235):666-9; Lindeboom et al. Nat Genet. 2016 Oct;48(10):1112-8; Rhee et al. Sci Rep. 2017 May 10;7(1):1653). Direct evidence for this alteration is unavailable, however premature termination codons are typically deleterious in nature. This variant is considered to be rare based on population cohorts in the Genome Aggregation Database (gnomAD). Based on the majority of available evidence to date, this variant is likely to be pathogenic.

NM_002528.7(NTHL1):c.42_43del (p.Leu15fs)

Gene: NTHL1 (nth like DNA glycosylase 1; minus strand). Cytogenetic location: 16p13.3.
Variant type: Deletion.
Coding change: c.42_43del on transcript NM_002528.7 (MANE Select); coding-DNA positions 42 to 43, 2 bases deleted (CC; older notation c.42_43delCC).
Protein change: p.Leu15fs; shifts the reading frame from leucine 15.
Molecular consequence: frameshift variant. On other transcripts: 5 prime UTR variant (1).
Genome position (GRCh38, 1-based): chr16:2,047,781-2,047,782, GG deleted on the plus strand (CC on the coding strand, the reverse complement: NTHL1 is on the minus strand). VCF-style (leftmost placement, unchanged base first): chr16-2047780-AGG-A. GRCh37 (hg19) VCF-style: chr16-2097781-AGG-A.
Other names: c.42_43del, p.Leu15fs (NM_001318193.2); c.-137_-136del (NM_001318194.2); short protein forms L15fs.
Identifiers: ClinVar variation 2565694 (VCV002565694.2), dbSNP rs2548331971, ClinGen allele CA2580612709.
Genomic context (GRCh38, chr16:2,047,780, plus strand): 5'-TCTCTTCTCCGGAGAGGCCCGGGCTCCTCCCTACACCCCCGCGGCCCAGCCCCGGGTCCC[AGG>A]CTCCGGCTCCGGGTCAGCATCCTCGCGCTCAAGGCGGTCATGCCGGACTCCTGCGGACTA-3'